The following is an entry in ClinVar:

NM_206933.4(USH2A):c.14986A>T (p.Ile4996Phe)

Gene: USH2A (usherin; minus strand). Cytogenetic location: 1q41.
Variant type: single nucleotide variant.
Coding change: c.14986A>T on transcript NM_206933.4 (MANE Select); coding-DNA position 14986, A replaced by T.
Protein change: p.Ile4996Phe; replaces isoleucine 4996 with phenylalanine.
Molecular consequence: missense variant.
Genome position (GRCh38, 1-based): chr1:215,639,221, T>A on the plus strand (A>T on the coding strand, the complement: USH2A is on the minus strand). VCF-style: chr1-215639221-T-A. GRCh37 (hg19) VCF-style: chr1-215812563-T-A.
Other names: short protein forms I4996F.
Identifiers: ClinVar variation 177792 (VCV000177792.16), dbSNP rs41308423, ClinGen allele CA180775.
Genomic context (GRCh38, chr1:215,639,221, plus strand): 5'-CAGTAGAGGTATCATATTGGATCAACGGCGTCTTAACACTTCCTTCGTCAGTCGTGCAGA[T>A]GACCTGGAAAAAGAAGGCTAGACAAAAGGAAGAACTGGTAAATGACTTGTTCATTCAACA-3'
Protein context (NP_996816.3, residues 4986-5006): TADKTFFFQV[Ile4996Phe]CTTDEGSVKT

ClinVar aggregate classification (germline): Uncertain significance. Review status: criteria provided, multiple submitters, no conflicts (2 of 4 stars). 10 submissions from 9 submitters: Uncertain significance (9). 1 of the submissions does not count toward it. Last evaluated 2026-05-19.

Conditions:
USH2A-related disorder. Also called: USH2A-related condition; USH2A-related disorders. Identifiers: MedGen CN239332.
Inborn genetic diseases. Identifiers: MedGen C0950123, MeSH D030342.
Usher syndrome type 2A. Also called: USHER SYNDROME, TYPE IIA; RETINAL DISEASE IN USHER SYNDROME TYPE IIA, MODIFIER OF. Identifiers: Orphanet 231178, Orphanet 886, MedGen C1848634, MONDO:0010169, OMIM 276901.
Retinitis pigmentosa 39 (RP39). Identifiers: Orphanet 791, MedGen C3151138, MONDO:0013436, OMIM 613809.

Allele frequency attached by ClinVar (database versions not stated): gnomAD 0.00001; TOPMed 0.00001.
gnomAD v4.1: 20 of 1,614,008 alleles (0.0012%); highest among the groups gnomAD compares: Middle Eastern, 0.082%; no homozygotes.

Submissions (10):

Ambry Genetics
Classification: Uncertain significance for Inborn genetic diseases. Last evaluated: 2026-05-19. Review status: criteria provided, single submitter. Criteria: Ambry Variant Classification Scheme 2023. Collection method: clinical testing. Allele origin: germline.

PreventionGenetics, part of Exact Sciences
Classification: Uncertain significance for USH2A-related condition. Last evaluated: 2026-02-12. Review status: criteria provided, single submitter. Criteria: ACMG Guidelines, 2015. Collection method: clinical testing. Allele origin: germline.
Comment: The USH2A c.14986A>T variant is predicted to result in the amino acid substitution p.Ile4996Phe. To our knowledge, this variant has not been reported in the literature or in a large population database (gnomAD), indicating this variant is rare. At this time, the clinical significance of this variant is uncertain due to the absence of conclusive functional and genetic evidence.

Labcorp Genetics (formerly Invitae), Labcorp
Classification: Uncertain significance. Last evaluated: 2025-09-13. Review status: criteria provided, single submitter. Criteria: Invitae Variant Classification Sherloc (09022015). Collection method: clinical testing. Allele origin: germline.
Comment: This sequence change replaces isoleucine, which is neutral and non-polar, with phenylalanine, which is neutral and non-polar, at codon 4996 of the USH2A protein (p.Ile4996Phe). This variant is not present in population databases (gnomAD no frequency). This variant has not been reported in the literature in individuals affected with USH2A-related conditions. ClinVar contains an entry for this variant (Variation ID: 177792). Invitae Evidence Modeling of protein sequence and biophysical properties (such as structural, functional, and spatial information, amino acid conservation, physicochemical variation, residue mobility, and thermodynamic stability) indicates that this missense variant is not expected to disrupt USH2A protein function with a negative predictive value of 95%. In summary, the available evidence is currently insufficient to determine the role of this variant in disease. Therefore, it has been classified as a Variant of Uncertain Significance.

Blueprint Genetics
Classification: Uncertain significance. Last evaluated: 2024-03-12. Review status: criteria provided, single submitter. Criteria: ACMG Guidelines, 2015. Collection method: clinical testing. Allele origin: germline.

Genome-Nilou Lab
Classification: Uncertain significance for Retinitis pigmentosa 39. Last evaluated: 2023-11-04. Review status: criteria provided, single submitter. Criteria: ACMG Guidelines, 2015. Collection method: clinical testing. Allele origin: germline. Affected: no.

Genome-Nilou Lab
Classification: Uncertain significance for Usher syndrome type 2A. Last evaluated: 2023-11-04. Review status: criteria provided, single submitter. Criteria: ACMG Guidelines, 2015. Collection method: clinical testing. Allele origin: germline. Affected: no.

GeneDx
Classification: Uncertain significance. Last evaluated: 2023-04-24. Review status: criteria provided, single submitter. Criteria: GeneDx Variant Classification Process June 2021. Collection method: clinical testing. Allele origin: germline. Affected: yes.
Comment: Not observed at significant frequency in large population cohorts (gnomAD); In silico analysis supports that this missense variant does not alter protein structure/function; Has not been previously published as pathogenic or benign to our knowledge

Laboratory for Molecular Medicine, Mass General Brigham Personalized Medicine
Classification: Uncertain significance. Last evaluated: 2013-09-09. Review status: criteria provided, single submitter. Criteria: LMM Criteria. Collection method: clinical testing. Allele origin: germline. Observed: 1 variant allele.
Comment: Variant classified as Uncertain Significance - Favor Benign. The Ile4996Phe vari ant in USH2A has not been previously reported in individuals with hearing loss o r in large population studies. The isoleucine (Ile) residue at position 4996 is poorly conserved across most species, including mammals, and computational analy ses (biochemical amino acid properties, AlignGVGD, PolyPhen2, and SIFT) suggest that the Ile4996Phe variant may not impact the protein. However, this informatio n is not predictive enough to rule out pathogenicity. In summary, the clinical s ignificance of this variant cannot be determined with certainty; however based u pon the conservation and computational data, we would lean towards a more likely benign role.

Breakthrough Genomics
Classification: Uncertain significance. Review status: criteria provided, single submitter. Criteria: ACMG Guidelines, 2015. Collection method: not provided. Allele origin: germline. Inheritance: Autosomal recessive inheritance. Affected: yes.

Natera, Inc.
Classification: Uncertain significance for Usher syndrome type 2A. Last evaluated: 2020-09-16. Review status: no assertion criteria provided. Collection method: clinical testing. Allele origin: germline. Not counted in ClinVar's aggregate classification.